The following is an entry in ClinVar:

ClinVar aggregate classification (germline): Uncertain significance (1 of 4 stars; one submission).

Submission:

Labcorp Genetics (formerly Invitae), Labcorp
Classification: Uncertain significance. Last evaluated: 2024-03-07. Review status: criteria provided, single submitter. Criteria: Invitae Variant Classification Sherloc (09022015). Collection method: clinical testing. Allele origin: germline.
Comment: This sequence change replaces glutamic acid, which is acidic and polar, with glutamine, which is neutral and polar, at codon 900 of the GRIN2D protein (p.Glu900Gln). Information on the frequency of this variant in the gnomAD database is not available, as this variant may be reported differently in the database. This variant has not been reported in the literature in individuals affected with GRIN2D-related conditions. ClinVar contains an entry for this variant (Variation ID: 1516553). Experimental studies and prediction algorithms are not available or were not evaluated, and the functional significance of this variant is currently unknown. In summary, the available evidence is currently insufficient to determine the role of this variant in disease. Therefore, it has been classified as a Variant of Uncertain Significance.

NM_000836.4(GRIN2D):c.2697_2698delinsCC (p.Glu900Gln)

Gene: GRIN2D (glutamate ionotropic receptor NMDA type subunit 2D; plus strand). Cytogenetic location: 19q13.33.
Variant type: Indel.
Coding change: c.2697_2698delinsCC on transcript NM_000836.4 (MANE Select); coding-DNA positions 2697 to 2698, TG replaced by CC.
Protein change: p.Glu900Gln; replaces glutamic acid 900 with glutamine.
Molecular consequence: missense variant.
Genome position (GRCh38, 1-based): chr19:48,442,623-48,442,624, TG replaced by CC. VCF-style: chr19-48442623-TG-CC. GRCh37 (hg19) VCF-style: chr19-48945880-TG-CC.
Other names: short protein forms E900Q.
Identifiers: ClinVar variation 1516553 (VCV001516553.8), dbSNP rs2147475903, ClinGen allele CA2573156517.